The following continues an entry in ClinVar:

NM_007373.4(SHOC2):c.4A>G (p.Ser2Gly)

Gene: SHOC2. ClinVar aggregate classification (germline): Pathogenic. Pathogenic (1).

Submissions 8 to 21 of 51:

Variantyx, Inc.
Classification: Pathogenic for Noonan syndrome-like disorder with loose anagen hair 1. Last evaluated: 2025-03-20. Review status: criteria provided, single submitter. Criteria: Variantyx Assertion Criteria 2022. Collection method: clinical testing. Allele origin: de novo. Not counted in ClinVar's aggregate classification.
Comment: This is a nonsynonymous variant in the SHOC2 gene (OMIM: 602775). Pathogenic variants in this gene have been associated with autosomal dominant Noonan syndrome-like with loose anagen hair 1. This variant has a 0.0006% maximum allele frequency in non-founder control populations (PM2_Supporting). Other reputable laboratories have reported this variant as pathogenic or likely pathogenic, and this classification has been validated by an expert panel in ClinVar (PP5). Computational algorithms produce conflicting evidence regarding the predicted functional impact of this variant (REVEL score: 0.39). Based on the current evidence, this variant is classified as pathogenic for autosomal dominant Noonan syndrome-like with loose anagen hair 1.

PreventionGenetics, part of Exact Sciences
Classification: Pathogenic for SHOC2-related condition. Last evaluated: 2025-01-14. Review status: criteria provided, single submitter. Criteria: ACMG Guidelines, 2015. Collection method: clinical testing. Allele origin: germline. Not counted in ClinVar's aggregate classification.
Comment: The SHOC2 c.4A>G variant is predicted to result in the amino acid substitution p.Ser2Gly. This variant was initially identified in four unrelated individuals with Noonan-like syndrome, three of which were confirmed to be de novo events (Cordeddu et al. 2009. PubMed ID: 19684605), and has since been repeatedly documented as pathogenic in multiple unrelated individuals (Cordeddu et al. 2009. PubMed ID: 19684605; Hoban et al. 2012. PubMed ID: 22528146; Bessis et al. 2019. PubMed ID: 30417923; Leach et al. 2019. PubMed ID: 29907801). Functional studies found that this variant results in aberrant targeting of SHOC2 protein to the plasma membrane, impaired translocation to the nucleus upon growth factor stimulation, and enhanced MAPK activation in a cell type specific manner (Cordeddu et al. 2009. PubMed ID: 19684605). This variant is reported in 0.0065% of alleles in individuals of European (Non-Finnish) descent in gnomAD and has been interpreted as pathogenic by multiple labs in ClinVar. This variant is interpreted as pathogenic.

Revvity Omics, Revvity
Classification: Pathogenic for Noonan syndrome-like disorder with loose anagen hair 1. Last evaluated: 2024-09-09. Review status: criteria provided, single submitter. Criteria: ACMG Guidelines, 2015. Collection method: clinical testing. Allele origin: germline. Not counted in ClinVar's aggregate classification.

Clinical Genomics Laboratory, Washington University in St. Louis
Classification: Pathogenic for Noonan syndrome-like disorder with loose anagen hair 1. Last evaluated: 2024-07-02. Review status: criteria provided, single submitter. Criteria: ACMG Guidelines, 2015. Collection method: clinical testing. Allele origin: germline. Affected: yes. Not counted in ClinVar's aggregate classification.
Comment: The SHOC2 c.4A>G (p.Ser2Gly) variant has been reported in multiple individuals with clinical features of a RASopathy and is reported as occurring de novo in at least three individuals (Choi JH et al., PMID: 25563136; Cordeddu V et al., PMID: 19684605; Ekvall S et al., PMID: 21548061; Gargano G et al., PMID: 24458587; Gripp KW et al., PMID: 23918763). This variant has been reported in the ClinVar database as a germline pathogenic or likely pathogenic variant by 40 submitters including a classification of pathogenic by the ClinGen RASopathy Expert Panel. In vitro functional studies provide some evidence that the p.Ser2Gly variant may impact protein function (Cordeddu V et al., PMID: 19684605). The SHOC2 gene has been defined by the ClinGen RASopathy Expert Panel as a gene with a low rate of benign missense variation and pathogenic missense variants are a common mechanism of disease (Gelb BD et al., PMID: 29493581). Based on available information, the ACMG/AMP guidelines for variant interpretation (Richards S et al., PMID: 25741868), and the RASopathy Expert Panel consensus methods (Gelb BD et al., PMID: 29493581), this variant is classified as pathogenic.

Dasa
Classification: Pathogenic. Last evaluated: 2024-05-15. Review status: criteria provided, single submitter. Criteria: DASA Assertion Criteria. Collection method: clinical testing. Allele origin: germline. Not counted in ClinVar's aggregate classification.
Comment: NM_007373.4(SHOC2):c.4A>G (p.Ser2Gly) is a missense variant that results in the substitution of serine with glycine. Functional evidence supports a deleterious effect on the gene or gene product (PMID: 19684605; PMID: 31059601; PMID: 21784453; PMID: 21548061; PMID: 22419608). This variant has been recurrently observed in individuals with related phenotype (PMID: 19684605; PMID: 31059601; PMID: 21784453; PMID: 21548061; PMID: 22419608). The variant is present at low frequency in population datasets. Based on the available data, this variant is classified as pathogenic.

Genomic Medicine Center of Excellence, King Faisal Specialist Hospital and Research Centre
Classification: Pathogenic for Noonan syndrome-like disorder with loose anagen hair 1. Last evaluated: 2024-03-17. Review status: criteria provided, single submitter. Criteria: ACMG Guidelines, 2015. Collection method: research. Allele origin: germline. Not counted in ClinVar's aggregate classification.

Department of Human Genetics, Hannover Medical School
Classification: Pathogenic for Noonan syndrome-like disorder with loose anagen hair 1. Last evaluated: 2024-01-16. Review status: criteria provided, single submitter. Criteria: ACMG Guidelines, 2015. Collection method: clinical testing. Allele origin: germline. Affected: yes. Not counted in ClinVar's aggregate classification.

Daryl Scott Lab, Baylor College of Medicine
Classification: Pathogenic for Noonan syndrome-like disorder with loose anagen hair 1. Last evaluated: 2024-01-01. Review status: criteria provided, single submitter. Criteria: ACMG Guidelines, 2015. Collection method: clinical testing. Allele origin: unknown. Affected: yes. Observed: 1 heterozygote. Not counted in ClinVar's aggregate classification.
Comment: PS2_VeryStrong, PS3, PS4, PM2, PP2

ARUP Laboratories, Molecular Genetics and Genomics, ARUP Laboratories
Classification: Pathogenic for Noonan syndrome-like disorder with loose anagen hair 1. Last evaluated: 2023-12-15. Review status: criteria provided, single submitter. Criteria: ARUP Molecular Germline Variant Investigation Process 2024. Collection method: clinical testing. Allele origin: germline. Not counted in ClinVar's aggregate classification.
Comment: The SHOC2 c.4A>G; p.Ser2Gly variant (rs267607048) has been reported in multiple individuals diagnosed with Noonan-like syndrome with loose anagen hair, and often identified as a de novo alteration (Cordeddu 2009, Komatsuzaki 2010, Ekvall 2011, Gripp 2013, Baldassare 2014). Functional characterization of the p.Ser2Gly protein indicates enhanced myristoylation, and aberrant targeting of the SHOC2 to the cell membrane in the absence of growth factor signaling (Cordeddu 2009). This results in an increase in basal and growth-factor stimulated ERK phosphorylation (Cordeddu 2009), consistent with the established disease mechanisms. The variant is classified as pathogenic by many sources in the ClinVar database (Variation ID: 6821) is only observed on one allele in the Genome Aggregation Database, indicating it is not a common polymorphism. Based on available information, this variant is classified as pathogenic. References: Baldassarre G et al. Phenotypic variability associated with the invariant SHOC2 c.4A>G (p.Ser2Gly) missense mutation. Am J Med Genet A. 2014 Dec;164A(12):3120-5. PMID: 25331583. Cordeddu V et al. Mutation of SHOC2 promotes aberrant protein N-myristoylation and causes Noonan-like syndrome with loose anagen hair. Nat Genet. 2009 Sep;41(9):1022-6. PMID: 19684605. Ekvall S et al. Co-occurring SHOC2 and PTPN11 mutations in a patient with severe/complex Noonan syndrome-like phenotype. Am J Med Genet A. 2011 Jun;155A(6):1217-24. PMID: 21548061. Gripp KW et al. Expanding the SHOC2 mutation associated phenotype of Noonan syndrome with loose anagen hair: structural brain anomalies and myelofibrosis. Am J Med Genet A. 2013 Oct;161A(10):2420-30. PMID: 23918763. Komatsuzaki S et al. Mutation analysis of the SHOC2 gene in Noonan-like syndrome and in hematologic malignancies. J Hum Genet. 2010 Dec;55(12):801-9. PMID: 20882035.

Division of Human Genetics, National Health Laboratory Service/University of the Witwatersrand
Classification: Pathogenic for Noonan syndrome-like disorder with loose anagen hair 1. Last evaluated: 2023-07-01. Review status: criteria provided, single submitter. Criteria: ACMG Guidelines, 2015. Collection method: research. Allele origin: germline. Affected: yes. Not counted in ClinVar's aggregate classification.

Clinical Genetics Laboratory, Skane University Hospital Lund
Classification: Pathogenic. Last evaluated: 2022-05-27. Review status: criteria provided, single submitter. Criteria: ACMG Guidelines, 2015. Collection method: clinical testing. Allele origin: germline. Affected: yes. Not counted in ClinVar's aggregate classification.

Greenwood Genetic Center Diagnostic Laboratories, Greenwood Genetic Center
Classification: Pathogenic for Polycystic kidney disease 4. Last evaluated: 2022-03-30. Review status: criteria provided, single submitter. Criteria: ACMG Guidelines, 2015. Collection method: clinical testing. Allele origin: germline. Affected: yes. Not counted in ClinVar's aggregate classification.
Comment: PS2, PS4, PM2

Laboratory of Medical Genetics, National & Kapodistrian University of Athens
Classification: Pathogenic for Noonan syndrome-like disorder with loose anagen hair 1. Last evaluated: 2021-10-01. Review status: criteria provided, single submitter. Criteria: ACMG Guidelines, 2015. Collection method: clinical testing. Allele origin: de novo. Affected: yes. Not counted in ClinVar's aggregate classification.
Comment: PS2, PM2, PP3, PP5

Laboratorio de Genetica e Diagnostico Molecular, Hospital Israelita Albert Einstein
Classification: Pathogenic for Noonan syndrome-like disorder with loose anagen hair 1. Last evaluated: 2021-08-16. Review status: criteria provided, single submitter. Criteria: ACMG Guidelines, 2015. Collection method: clinical testing. Allele origin: germline. Affected: yes. Not counted in ClinVar's aggregate classification.
Comment: ACMG classification criteria: PS2 very strong, PS3 moderate, PS4 moderate, PM2 moderate, PP2 supporting